The following is an entry in ClinVar:

NM_001783.4(CD79A):c.309A>G (p.Ile103Met)

Genes: CD79A (CD79a molecule; plus strand), RPS19-CD79A (RPS19-CD79A readthrough; plus strand). Cytogenetic location: 19q13.2.
Variant type: single nucleotide variant.
Coding change: c.309A>G on transcript NM_001783.4 (MANE Select); coding-DNA position 309, A replaced by G.
Protein change: p.Ile103Met; replaces isoleucine 103 with methionine.
Molecular consequence: missense variant. On other transcripts: intron variant (1).
Genome position (GRCh38, 1-based): chr19:41,879,219, A>G. VCF-style: chr19-41879219-A-G. GRCh37 (hg19) VCF-style: chr19-42383289-A-G.
Other names: c.265+44A>G (NM_021601.4); short protein forms I103M.
Identifiers: ClinVar variation 842297 (VCV000842297.10), dbSNP rs113019286, ClinGen allele CA308574218.
Genomic context (GRCh38, chr19:41,879,219, plus strand): 5'-GGGCGAGGACCCCAATGGTACGCTGATCATCCAGAATGTGAACAAGAGCCATGGGGGCAT[A>G]TACGTGTGCCGGGTCCAGGAGGGCAACGAGTCATACCAGCAGTCCTGCGGCACCTACCTC-3'
Protein context (NP_001774.1, residues 93-113): IQNVNKSHGG[Ile103Met]YVCRVQEGNE

ClinVar aggregate classification (germline): Conflicting classifications of pathogenicity. Review status: criteria provided, conflicting classifications (1 of 4 stars). 2 submissions from 2 submitters: Uncertain significance (1); Likely benign (1). Last evaluated 2025-10-29.

Conditions:
Agammaglobulinemia 3, autosomal recessive (AGM3). Also called: AGAMMAGLOBULINEMIA 3; AGAMMAGLOBULINEMIA, AUTOSOMAL RECESSIVE, DUE TO CD79A DEFECT. Identifiers: MedGen C3150751, MONDO:0013288, OMIM 613501.

Allele frequency attached by ClinVar (database versions not stated): gnomAD 0.00004 and 0.00006; TOPMed 0.00005.
gnomAD v4.1: 61 of 1,613,832 alleles (0.0038%); highest among the groups gnomAD compares: African/African-American, 0.044%; 3 homozygotes.

Submissions (2):

Labcorp Genetics (formerly Invitae), Labcorp
Classification: Uncertain significance for Agammaglobulinemia 3, autosomal recessive. Last evaluated: 2025-10-29. Review status: criteria provided, single submitter. Criteria: Invitae Variant Classification Sherloc (09022015). Collection method: clinical testing. Allele origin: germline.
Comment: This sequence change replaces isoleucine, which is neutral and non-polar, with methionine, which is neutral and non-polar, at codon 103 of the CD79A protein (p.Ile103Met). This variant is present in population databases (rs113019286, gnomAD 0.008%). This variant has not been reported in the literature in individuals affected with CD79A-related conditions. ClinVar contains an entry for this variant (Variation ID: 842297). An algorithm developed to predict the effect of missense changes on protein structure and function outputs the following: PolyPhen-2: "Benign". The methionine amino acid residue is found in multiple mammalian species, which suggests that this missense change does not adversely affect protein function. In summary, the available evidence is currently insufficient to determine the role of this variant in disease. Therefore, it has been classified as a Variant of Uncertain Significance.

Ambry Genetics
Classification: Likely benign. Last evaluated: 2024-08-20. Review status: criteria provided, single submitter. Criteria: Ambry Variant Classification Scheme 2023. Collection method: clinical testing. Allele origin: germline.